The following is an entry in ClinVar:

ClinVar aggregate classification (germline): Benign/Likely benign. Review status: criteria provided, multiple submitters, no conflicts (2 of 4 stars). 3 submissions from 3 submitters: Benign (1); Likely benign (2). Last evaluated 2025-11-17.

Conditions:
Hereditary cancer-predisposing syndrome. Also called: Hereditary neoplastic syndrome; Neoplastic Syndromes, Hereditary; Tumor predisposition; Hereditary Cancer Syndrome. Identifiers: Orphanet 140162, MedGen C0027672, MeSH D009386, MONDO:0015356.
Lynch syndrome 5 (LYNCH5). Also called: Hereditary non-polyposis colorectal cancer, type 5; Colorectal cancer, hereditary nonpolyposis, type 5. Identifiers: Orphanet 144, MedGen C1833477, MONDO:0013710, OMIM 614350. Disease mechanism: loss of function.
Hereditary nonpolyposis colorectal neoplasms. Identifiers: MedGen C0009405, MeSH D003123.

Allele frequency attached by ClinVar (database versions not stated): gnomAD exomes below 0.00001.

Submissions (3):

Labcorp Genetics (formerly Invitae), Labcorp
Classification: Likely benign for Hereditary nonpolyposis colorectal neoplasms. Last evaluated: 2025-11-17. Review status: criteria provided, single submitter. Criteria: Invitae Variant Classification Sherloc (09022015). Collection method: clinical testing. Allele origin: germline.

Myriad Genetics, Inc.
Classification: Benign for Lynch syndrome 5. Last evaluated: 2025-01-08. Review status: criteria provided, single submitter. Criteria: Myriad Autosomal Dominant, Autosomal Recessive and X-Linked Classification Criteria (2023). Collection method: clinical testing. Allele origin: unknown.
Comment: This variant is considered benign. This variant is a silent/synonymous amino acid change and it is not expected to impact splicing.

Ambry Genetics
Classification: Likely benign for Hereditary cancer-predisposing syndrome. Last evaluated: 2015-12-05. Review status: criteria provided, single submitter. Criteria: Ambry Variant Classification Scheme 2023. Collection method: clinical testing. Allele origin: germline.

NM_000179.3(MSH6):c.3849T>C (p.Ile1283=)

Gene: MSH6 (mutS homolog 6; plus strand). Cytogenetic location: 2p16.3.
Variant type: single nucleotide variant.
Coding change: c.3849T>C on transcript NM_000179.3 (MANE Select); coding-DNA position 3849, T replaced by C.
Protein change: p.Ile1283=; no amino-acid change (isoleucine 1283 retained).
Molecular consequence: synonymous variant.
Genome position (GRCh38, 1-based): chr2:47,806,499, T>C. VCF-style: chr2-47806499-T-C. GRCh37 (hg19) VCF-style: chr2-48033638-T-C.
Other names: c.3459T>C, p.Ile1153= (NM_001281492.2); c.2943T>C, p.Ile981= (NM_001281493.2, NM_001281494.2).
Identifiers: ClinVar variation 1144354 (VCV001144354.12), dbSNP rs2104555104, ClinGen allele CA426122122.